The following is an entry in ClinVar:

NM_001127208.3(TET2):c.2941A>G (p.Ile981Val)

Genes: TET2 (tet methylcytosine dioxygenase 2; plus strand), TET2-AS1 (TET2 antisense RNA 1; minus strand). Cytogenetic location: 4q24.
Variant type: single nucleotide variant.
Coding change: c.2941A>G on transcript NM_001127208.3 (MANE Select); coding-DNA position 2941, A replaced by G.
Protein change: p.Ile981Val; replaces isoleucine 981 with valine.
Molecular consequence: missense variant.
Genome position (GRCh38, 1-based): chr4:105,236,883, A>G. VCF-style: chr4-105236883-A-G. GRCh37 (hg19) VCF-style: chr4-106158040-A-G.
Other names: c.2941A>G, p.Ile981Val (NM_017628.4); short protein forms I981V.
Identifiers: ClinVar variation 3455373 (VCV003455373.2).
Genomic context (GRCh38, chr4:105,236,883, plus strand): 5'-GAACAGCAGCAAACACAGCAACCCCAAACTGAGTCTTGCCATAGTCAGATGCACAGGCCA[A>G]TTAAGGTGGAACCTGGATGCAAGCCACATGCCTGTATGCACACAGCACCACCAGAAAACA-3'
Protein context (NP_001120680.1, residues 971-991): ESCHSQMHRP[Ile981Val]KVEPGCKPHA

ClinVar aggregate classification (germline): Uncertain significance. Review status: criteria provided, multiple submitters, no conflicts (2 of 4 stars). 2 submissions from 2 submitters: Uncertain significance (2). Last evaluated 2026-01-28.

gnomAD v4.1: 12 of 1,614,152 alleles (0.00074%); highest among the groups gnomAD compares: Middle Eastern, 0.033%; no homozygotes.

Submissions (2):

Labcorp Genetics (formerly Invitae), Labcorp
Classification: Uncertain significance. Last evaluated: 2026-01-28. Review status: criteria provided, single submitter. Criteria: Invitae Variant Classification Sherloc (09022015). Collection method: clinical testing. Allele origin: germline.
Comment: This sequence change replaces isoleucine, which is neutral and non-polar, with valine, which is neutral and non-polar, at codon 981 of the TET2 protein (p.Ile981Val). This variant is present in population databases (rs750914858, gnomAD 0.01%). This variant has not been reported in the literature in individuals affected with TET2-related conditions. ClinVar contains an entry for this variant (Variation ID: 3455373). An algorithm developed to predict the effect of missense changes on protein structure and function outputs the following: PolyPhen-2: "Benign". The valine amino acid residue is found in multiple mammalian species, which suggests that this missense change does not adversely affect protein function. In summary, the available evidence is currently insufficient to determine the role of this variant in disease. Therefore, it has been classified as a Variant of Uncertain Significance.

Ambry Genetics
Classification: Uncertain significance. Last evaluated: 2024-12-04. Review status: criteria provided, single submitter. Criteria: Ambry Variant Classification Scheme 2023. Collection method: clinical testing. Allele origin: germline.
Comment: The p.I981V variant (also known as c.2941A>G), located in coding exon 1 of the TET2 gene, results from an A to G substitution at nucleotide position 2941. The isoleucine at codon 981 is replaced by valine, an amino acid with highly similar properties. This amino acid position is conserved. In addition, this alteration is predicted to be tolerated by in silico analysis. Based on the available evidence, the clinical significance of this variant remains unclear.